The following is an entry in ClinVar:

ClinVar aggregate classification (germline): Uncertain significance. Review status: criteria provided, multiple submitters, no conflicts (2 of 4 stars). 3 submissions from 3 submitters: Uncertain significance (3). Last evaluated 2025-08-23.

Conditions:
Vici syndrome (VICIS). Identifiers: Orphanet 1493, MedGen C1855772, MONDO:0009452, OMIM 242840.
Inborn genetic diseases. Identifiers: MedGen C0950123, MeSH D030342.

Allele frequency attached by ClinVar (database versions not stated): TOPMed 0.00004; gnomAD exomes 0.00006 and 0.00007; ExAC 0.00009; gnomAD 0.00013 and 0.00014; 1000 Genomes Project 30x 0.00016; 1000 Genomes Project 0.00020.
gnomAD v4.1: 114 of 1,599,888 alleles (0.0071%); highest among the groups gnomAD compares: Middle Eastern, 0.017%; no homozygotes.

Submissions (3):

Ambry Genetics
Classification: Uncertain significance for Inborn genetic diseases. Last evaluated: 2025-08-23. Review status: criteria provided, single submitter. Criteria: Ambry Variant Classification Scheme 2023. Collection method: clinical testing. Allele origin: germline.

Blueprint Genetics
Classification: Uncertain significance. Last evaluated: 2024-10-25. Review status: criteria provided, single submitter. Criteria: ACMG Guidelines, 2015. Collection method: clinical testing. Allele origin: germline.

Labcorp Genetics (formerly Invitae), Labcorp
Classification: Uncertain significance for Vici syndrome. Last evaluated: 2024-10-07. Review status: criteria provided, single submitter. Criteria: Invitae Variant Classification Sherloc (09022015). Collection method: clinical testing. Allele origin: germline.
Comment: This sequence change replaces proline, which is neutral and non-polar, with leucine, which is neutral and non-polar, at codon 1323 of the EPG5 protein (p.Pro1323Leu). This variant is present in population databases (rs143970247, gnomAD 0.05%). This variant has not been reported in the literature in individuals affected with EPG5-related conditions. ClinVar contains an entry for this variant (Variation ID: 1443438). Invitae Evidence Modeling of protein sequence and biophysical properties (such as structural, functional, and spatial information, amino acid conservation, physicochemical variation, residue mobility, and thermodynamic stability) indicates that this missense variant is expected to disrupt EPG5 protein function with a positive predictive value of 80%. In summary, the available evidence is currently insufficient to determine the role of this variant in disease. Therefore, it has been classified as a Variant of Uncertain Significance.

NM_020964.3(EPG5):c.3968C>T (p.Pro1323Leu)

Gene: EPG5 (ectopic P-granules 5 autophagy tethering factor; minus strand). Cytogenetic location: 18q21.1.
Variant type: single nucleotide variant.
Coding change: c.3968C>T on transcript NM_020964.3 (MANE Select); coding-DNA position 3968, C replaced by T.
Protein change: p.Pro1323Leu; replaces proline 1323 with leucine.
Molecular consequence: missense variant.
Genome position (GRCh38, 1-based): chr18:45,912,305, G>A on the plus strand (C>T on the coding strand, the complement: EPG5 is on the minus strand). VCF-style: chr18-45912305-G-A. GRCh37 (hg19) VCF-style: chr18-43492270-G-A.
Other names: c.3968C>T (NM_020964.2); short protein forms P1323L.
Identifiers: ClinVar variation 1443438 (VCV001443438.9), dbSNP rs143970247, ClinGen allele CA8949022.